The following is an entry in ClinVar:

NM_000032.5(ALAS2):c.390A>G (p.Thr130=)

Genes: ALAS2 (5'-aminolevulinate synthase 2; minus strand), LOC108663984 (ALAS2 intron 1 and 3 erythroid regulatory elements; plus strand). Cytogenetic location: Xp11.21.
Variant type: single nucleotide variant.
Coding change: c.390A>G on transcript NM_000032.5 (MANE Select); coding-DNA position 390, A replaced by G.
Protein change: p.Thr130=; no amino-acid change (threonine 130 retained).
Molecular consequence: synonymous variant. On other transcripts: intron variant (2).
Genome position (GRCh38, 1-based): chrX:55,023,782, T>C on the plus strand (A>G on the coding strand, the complement: ALAS2 is on the minus strand). VCF-style: chrX-55023782-T-C. GRCh37 (hg19) VCF-style: chrX-55050215-T-C.
Other names: c.390A>G, p.Thr130= (LRG_1163t1); c.304+936A>G (NM_001037967.4); c.376+936A>G (NM_001037968.4).
Identifiers: ClinVar variation 383456 (VCV000383456.9), dbSNP rs202055220, ClinGen allele CA10428432.

ClinVar aggregate classification (germline): Likely benign. Review status: criteria provided, multiple submitters, no conflicts (2 of 4 stars). 2 submissions from 2 submitters: Likely benign (2). Last evaluated 2025-09-11.

Allele frequency attached by ClinVar (database versions not stated): gnomAD 0.00002 and 0.00003; gnomAD exomes 0.00002 and 0.00011; TOPMed 0.00004; ExAC 0.00005; 1000 Genomes Project 0.00026; 1000 Genomes Project 30x 0.00042.
gnomAD v4.1: 27 of 1,208,849 alleles (0.0022%); highest among the groups gnomAD compares: Middle Eastern, 0.069%; no homozygotes.

Submissions (2):

Labcorp Genetics (formerly Invitae), Labcorp
Classification: Likely benign. Last evaluated: 2025-09-11. Review status: criteria provided, single submitter. Criteria: Invitae Variant Classification Sherloc (09022015). Collection method: clinical testing. Allele origin: germline.

GeneDx
Classification: Likely benign. Last evaluated: 2016-03-04. Review status: criteria provided, single submitter. Criteria: GeneDx Variant Classification (06012015). Collection method: clinical testing. Allele origin: germline. Affected: yes.
Comment: This variant is considered likely benign or benign based on one or more of the following criteria: it is a conservative change, it occurs at a poorly conserved position in the protein, it is predicted to be benign by multiple in silico algorithms, and/or has population frequency not consistent with disease.